The following is an entry in ClinVar:

ClinVar aggregate classification (germline): Uncertain significance (1 of 4 stars; one submission).

Conditions:
Citrullinemia. Identifiers: Orphanet 187, MedGen C0175683, MONDO:0015991.

Allele frequency attached by ClinVar (database versions not stated): gnomAD exomes below 0.00001; ExAC 0.00001; gnomAD 0.00003; TOPMed 0.00003; ESP Exome Variant Server 0.00015.
gnomAD v4.1: 4 of 1,613,818 alleles (0.00025%); highest among the groups gnomAD compares: African/African-American, 0.0053%; no homozygotes.

Submission:

Labcorp Genetics (formerly Invitae), Labcorp
Classification: Uncertain significance for Citrullinemia. Last evaluated: 2021-08-13. Review status: criteria provided, single submitter. Criteria: Invitae Variant Classification Sherloc (09022015). Collection method: clinical testing. Allele origin: germline.
Comment: This sequence change replaces proline with threonine at codon 203 of the ASS1 protein (p.Pro203Thr). The proline residue is highly conserved and there is a small physicochemical difference between proline and threonine. This variant is present in population databases (rs147858743, ExAC 0.01%). This missense change has been observed in individual(s) with clinical features of ASS1-related conditions (Invitae). Algorithms developed to predict the effect of missense changes on protein structure and function are either unavailable or do not agree on the potential impact of this missense change (SIFT: "Deleterious"; PolyPhen-2: "Possibly Damaging"; Align-GVGD: "Class C0"). In summary, the available evidence is currently insufficient to determine the role of this variant in disease. Therefore, it has been classified as a Variant of Uncertain Significance.

NM_054012.4(ASS1):c.607C>A (p.Pro203Thr)

Gene: ASS1 (argininosuccinate synthase 1; plus strand). Cytogenetic location: 9q34.11.
Variant type: single nucleotide variant.
Coding change: c.607C>A on transcript NM_054012.4 (MANE Select); coding-DNA position 607, C replaced by A.
Protein change: p.Pro203Thr; replaces proline 203 with threonine.
Molecular consequence: missense variant.
Genome position (GRCh38, 1-based): chr9:130,476,880, C>A. VCF-style: chr9-130476880-C-A. GRCh37 (hg19) VCF-style: chr9-133352267-C-A.
Other names: c.607C>A, p.Pro203Thr (NM_000050.4); short protein forms P203T.
Identifiers: ClinVar variation 663931 (VCV000663931.7), dbSNP rs147858743, ClinGen allele CA5283401.